The following is an entry in ClinVar:

NM_003672.4(CDC14A):c.1370C>T (p.Thr457Met)

Gene: CDC14A (cell division cycle 14A; plus strand). Cytogenetic location: 1p21.2.
Variant type: single nucleotide variant.
Coding change: c.1370C>T on transcript NM_003672.4 (MANE Select); coding-DNA position 1370, C replaced by T.
Protein change: p.Thr457Met; replaces threonine 457 with methionine.
Molecular consequence: missense variant.
Genome position (GRCh38, 1-based): chr1:100,498,156, C>T. VCF-style: chr1-100498156-C-T. GRCh37 (hg19) VCF-style: chr1-100963712-C-T.
Other names: c.1370C>T, p.Thr457Met (NM_001319210.2, NM_033312.3); c.1196C>T, p.Thr399Met (NM_001319211.2); c.491C>T, p.Thr164Met (NM_001319212.2); short protein forms T164M, T399M, T457M.
Identifiers: ClinVar variation 5017192 (VCV005017192.1).

ClinVar aggregate classification (germline): Uncertain significance (1 of 4 stars; one submission).

gnomAD v4.1: 27 of 1,613,894 alleles (0.0017%); highest among the groups gnomAD compares: African/African-American, 0.0053%; no homozygotes.

Submission:

GeneDx
Classification: Uncertain significance. Last evaluated: 2026-04-01. Review status: criteria provided, single submitter. Criteria: GeneDx Variant Classification Process June 2021. Collection method: clinical testing. Allele origin: germline.
Comment: In silico analysis suggests that this missense variant does not alter protein structure/function; Has not been previously published as pathogenic or benign to our knowledge